The following is an entry in ClinVar:

ClinVar aggregate classification (germline): Likely benign (1 of 4 stars; one submission).

Allele frequency attached by ClinVar (database versions not stated): gnomAD exomes below 0.00001; TOPMed below 0.00001; ExAC 0.00001; gnomAD 0.00001.
gnomAD v4.1: 2 of 1,598,154 alleles (0.00013%); highest among the groups gnomAD compares: African/African-American, 0.0013%; no homozygotes.

Submission:

CeGaT Center for Human Genetics Tuebingen
Classification: Likely benign. Last evaluated: 2023-09-01. Review status: criteria provided, single submitter. Criteria: CeGaT Center For Human Genetics Tuebingen Variant Classification Criteria Version 2. Collection method: clinical testing. Allele origin: germline. Affected: yes. Observed: 1 variant allele.
Comment: SLC45A1: BP4, BP7

NM_001080397.3(SLC45A1):c.1416G>A (p.Arg472=)

Gene: SLC45A1 (solute carrier family 45 member 1; plus strand). Cytogenetic location: 1p36.23.
Variant type: single nucleotide variant.
Coding change: c.1416G>A on transcript NM_001080397.3 (MANE Select); coding-DNA position 1416, G replaced by A.
Protein change: p.Arg472=; no amino-acid change (arginine 472 retained).
Molecular consequence: synonymous variant.
Genome position (GRCh38, 1-based): chr1:8,330,909, G>A. VCF-style: chr1-8330909-G-A. GRCh37 (hg19) VCF-style: chr1-8390969-G-A.
Other names: c.1416G>A, p.Arg472= (NM_001379614.1); c.1323G>A, p.Arg441= (NM_001379615.1, NM_001379616.1); c.810G>A, p.Arg270= (NM_001379617.1, NM_001379618.1).
Identifiers: ClinVar variation 2638152 (VCV002638152.24), dbSNP rs756713316, ClinGen allele CA570379.